The following is an entry in ClinVar:

NM_006031.6(PCNT):c.6342C>A (p.Ser2114=)

Gene: PCNT (pericentrin; plus strand). Cytogenetic location: 21q22.3.
Variant type: single nucleotide variant.
Coding change: c.6342C>A on transcript NM_006031.6 (MANE Select); coding-DNA position 6342, C replaced by A.
Protein change: p.Ser2114=; no amino-acid change (serine 2114 retained).
Molecular consequence: synonymous variant.
Genome position (GRCh38, 1-based): chr21:46,416,260, C>A. VCF-style: chr21-46416260-C-A. GRCh37 (hg19) VCF-style: chr21-47836174-C-A.
Other names: c.6342C>A (NM_006031.5); c.5988C>A, p.Ser1996= (NM_001315529.2).
Identifiers: ClinVar variation 3002741 (VCV003002741.5), dbSNP rs761778263, ClinGen allele CA10080310.

ClinVar aggregate classification (germline): Likely benign. Review status: criteria provided, single submitter (1 of 4 stars). 2 submissions from 2 submitters: Likely benign (1). 1 of the submissions does not count toward it. Last evaluated 2023-05-16.

Conditions:
PCNT-related disorder. Also called: PCNT-related condition.

Allele frequency attached by ClinVar (database versions not stated): ExAC 0.00001; gnomAD exomes 0.00001; gnomAD 0.00005; TOPMed 0.00006.
gnomAD v4.1: 19 of 1,614,068 alleles (0.0012%); highest among the groups gnomAD compares: African/African-American, 0.023%; no homozygotes.

Submissions (2):

Labcorp Genetics (formerly Invitae), Labcorp
Classification: Likely benign. Last evaluated: 2023-05-16. Review status: criteria provided, single submitter. Criteria: Invitae Variant Classification Sherloc (09022015). Collection method: clinical testing. Allele origin: germline.

PreventionGenetics, part of Exact Sciences
Classification: Likely benign for PCNT-related condition. Last evaluated: 2021-10-19. Review status: no assertion criteria provided. Collection method: clinical testing. Allele origin: germline. Not counted in ClinVar's aggregate classification.
Comment: This variant is classified as likely benign based on ACMG/AMP sequence variant interpretation guidelines (Richards et al. 2015 PMID: 25741868, with internal and published modifications).